The following is an entry in ClinVar:

NM_006623.4(PHGDH):c.1145C>G (p.Ala382Gly)

Gene: PHGDH (phosphoglycerate dehydrogenase; plus strand). Cytogenetic location: 1p12.
Variant type: single nucleotide variant.
Coding change: c.1145C>G on transcript NM_006623.4 (MANE Select); coding-DNA position 1145, C replaced by G.
Protein change: p.Ala382Gly; replaces alanine 382 with glycine.
Molecular consequence: missense variant.
Genome position (GRCh38, 1-based): chr1:119,741,833, C>G. VCF-style: chr1-119741833-C-G. GRCh37 (hg19) VCF-style: chr1-120284456-C-G.
Other names: short protein forms A382G.
Identifiers: ClinVar variation 3602422 (VCV003602422.1).

ClinVar aggregate classification (germline): Uncertain significance (1 of 4 stars; one submission).

gnomAD v4.1: 1 of 1,613,476 alleles (0.000062%); highest among the groups gnomAD compares: Non-Finnish European, 0.000085%; no homozygotes.

Submission:

GeneDx
Classification: Uncertain significance. Last evaluated: 2024-08-01. Review status: criteria provided, single submitter. Criteria: GeneDx Variant Classification Process June 2021. Collection method: clinical testing. Allele origin: germline. Affected: yes.
Comment: Not observed at significant frequency in large population cohorts (gnomAD); In silico analysis indicates that this missense variant does not alter protein structure/function; Has not been previously published as pathogenic or benign to our knowledge